The following is an entry in ClinVar:

NM_006231.4(POLE):c.2341G>A (p.Ala781Thr)

Gene: POLE (DNA polymerase epsilon, catalytic subunit; minus strand). Cytogenetic location: 12q24.33.
Variant type: single nucleotide variant.
Coding change: c.2341G>A on transcript NM_006231.4 (MANE Select); coding-DNA position 2341, G replaced by A.
Protein change: p.Ala781Thr; replaces alanine 781 with threonine.
Molecular consequence: missense variant.
Genome position (GRCh38, 1-based): chr12:132,665,429, C>T on the plus strand (G>A on the coding strand, the complement: POLE is on the minus strand). VCF-style: chr12-132665429-C-T. GRCh37 (hg19) VCF-style: chr12-133242015-C-T.
Other names: short protein forms A781T.
Identifiers: ClinVar variation 1060718 (VCV001060718.9), dbSNP rs2135962208, ClinGen allele CA387397903.

ClinVar aggregate classification (germline): Uncertain significance (1 of 4 stars; one submission).

Submission:

Labcorp Genetics (formerly Invitae), Labcorp
Classification: Uncertain significance. Last evaluated: 2020-10-21. Review status: criteria provided, single submitter. Criteria: Invitae Variant Classification Sherloc (09022015). Collection method: clinical testing. Allele origin: germline.
Comment: In summary, the available evidence is currently insufficient to determine the role of this variant in disease. Therefore, it has been classified as a Variant of Uncertain Significance. Algorithms developed to predict the effect of missense changes on protein structure and function (SIFT, PolyPhen-2, Align-GVGD) all suggest that this variant is likely to be tolerated, but these predictions have not been confirmed by published functional studies and their clinical significance is uncertain. This variant has not been reported in the literature in individuals with POLE-related conditions. This variant is not present in population databases (ExAC no frequency). This sequence change replaces alanine with threonine at codon 781 of the POLE protein (p.Ala781Thr). The alanine residue is moderately conserved and there is a small physicochemical difference between alanine and threonine.